The following is an entry in ClinVar:

NM_006494.4(ERF):c.71C>G (p.Ser24Ter)

Gene: ERF (ETS2 repressor factor; minus strand). Cytogenetic location: 19q13.2.
Variant type: single nucleotide variant.
Coding change: c.71C>G on transcript NM_006494.4 (MANE Select); coding-DNA position 71, C replaced by G.
Protein change: p.Ser24Ter; replaces serine 24 with a stop codon.
Molecular consequence: nonsense. On other transcripts: 5 prime UTR variant (3).
Genome position (GRCh38, 1-based): chr19:42,250,517, G>C on the plus strand (C>G on the coding strand, the complement: ERF is on the minus strand). VCF-style: chr19-42250517-G-C. GRCh37 (hg19) VCF-style: chr19-42754669-G-C.
Other names: c.-155C>G (NM_001301035.2, NM_001308402.2, NM_001312656.2); short protein forms S24*.
Identifiers: ClinVar variation 1455895 (VCV001455895.7), dbSNP rs2146952114, ClinGen allele CA406115824.

ClinVar aggregate classification (germline): Pathogenic/Likely pathogenic. Review status: criteria provided, multiple submitters, no conflicts (2 of 4 stars). 2 submissions from 2 submitters: Pathogenic (1); Likely pathogenic (1). Last evaluated 2021-12-08.

Conditions:
Lambdoidal craniosynostosis. Identifiers: MedGen C1833340, HP:0004443.
Chitayat syndrome (CHYTS). Identifiers: MedGen C4310679, MONDO:0014956, OMIM 617180.
TWIST1-related craniosynostosis (CRS1). Also called: CRANIOSYNOSTOSIS 1. Identifiers: Orphanet 63440, MedGen C4551902, MONDO:0007399, OMIM 123100. Inheritance: Heterogenous inheritance pattern.

Submissions (2):

Labcorp Genetics (formerly Invitae), Labcorp
Classification: Pathogenic for TWIST1-related craniosynostosis. Last evaluated: 2021-12-08. Review status: criteria provided, single submitter. Criteria: Invitae Variant Classification Sherloc (09022015). Collection method: clinical testing. Allele origin: germline.
Comment: This sequence change creates a premature translational stop signal (p.Ser24*) in the ERF gene. It is expected to result in an absent or disrupted protein product. Loss-of-function variants in ERF are known to be pathogenic (PMID: 23354439, 26097063, 28808027). This variant is not present in population databases (gnomAD no frequency). This variant has not been reported in the literature in individuals affected with ERF-related conditions. For these reasons, this variant has been classified as Pathogenic.

Molecular Genetics Department, Kulakov National Medical Research Center for Obstetrics, Gynecology and Perinatology
Classification: Likely pathogenic for Craniosynostosis 4; Chitayat syndrome. Review status: criteria provided, single submitter. Criteria: ACMG Guidelines, 2015. Collection method: clinical testing. Allele origin: de novo. Affected: yes. Observed: 1 variant allele.
Comment: A previously undescribed heterozygous nucleotide variant creates a premature translation stop signal p.Ser24Ter in the ERF gene. Heterozygous variants are reported in patients with chitayat syndrome, 617180; Craniosynostosis 4, 600775. The variant is not present in population database (gnomAD no frequency). Sanger sequencing revealed that the variant arose de novo (parentage confirmed). In summary, the currently available evidence indicates that the variant is pathogenic, but additional data are needed to prove that conclusively. Therefore, this variant has been classified as likely pathogenic.

Literature cited by the submitters: PubMed 23354439 (cited by Labcorp Genetics (formerly Invitae), Labcorp); PubMed 26097063 (cited by Labcorp Genetics (formerly Invitae), Labcorp); PubMed 28808027 (cited by Labcorp Genetics (formerly Invitae), Labcorp).